The following is an entry in ClinVar:

ClinVar aggregate classification (germline): Conflicting classifications of pathogenicity. Review status: criteria provided, conflicting classifications (1 of 4 stars). 2 submissions from 2 submitters: Uncertain significance (1); Likely benign (1). Last evaluated 2024-12-17.

Conditions:
Hereditary cancer-predisposing syndrome. Also called: Hereditary neoplastic syndrome; Tumor predisposition; Neoplastic Syndromes, Hereditary; Hereditary Cancer Syndrome. Identifiers: Orphanet 140162, MedGen C0027672, MeSH D009386, MONDO:0015356.
Neuroblastoma, susceptibility to, 3. Also called: ALK-Related Neuroblastic Tumor Susceptibility. Identifiers: Orphanet 635, MedGen C2751681, MONDO:0013083, OMIM 613014.

Submissions (2):

Ambry Genetics
Classification: Likely benign for Hereditary cancer-predisposing syndrome. Last evaluated: 2024-12-17. Review status: criteria provided, single submitter. Criteria: Ambry Variant Classification Scheme 2023. Collection method: clinical testing. Allele origin: germline.

Labcorp Genetics (formerly Invitae), Labcorp
Classification: Uncertain significance for Neuroblastoma, susceptibility to, 3. Last evaluated: 2024-10-30. Review status: criteria provided, single submitter. Criteria: Invitae Variant Classification Sherloc (09022015). Collection method: clinical testing. Allele origin: germline.
Comment: This sequence change replaces tyrosine, which is neutral and polar, with cysteine, which is neutral and slightly polar, at codon 587 of the ALK protein (p.Tyr587Cys). This variant is not present in population databases (gnomAD no frequency). This variant has not been reported in the literature in individuals affected with ALK-related conditions. ClinVar contains an entry for this variant (Variation ID: 959611). An algorithm developed to predict the effect of missense changes on protein structure and function (PolyPhen-2) suggests that this variant is likely to be tolerated. In summary, the available evidence is currently insufficient to determine the role of this variant in disease. Therefore, it has been classified as a Variant of Uncertain Significance.

NM_004304.5(ALK):c.1760A>G (p.Tyr587Cys)

Gene: ALK (ALK receptor tyrosine kinase; minus strand). Cytogenetic location: 2p23.2.
Variant type: single nucleotide variant.
Coding change: c.1760A>G on transcript NM_004304.5 (MANE Select); coding-DNA position 1760, A replaced by G.
Protein change: p.Tyr587Cys; replaces tyrosine 587 with cysteine.
Molecular consequence: missense variant.
Genome position (GRCh38, 1-based): chr2:29,296,945, T>C on the plus strand (A>G on the coding strand, the complement: ALK is on the minus strand). VCF-style: chr2-29296945-T-C. GRCh37 (hg19) VCF-style: chr2-29519811-T-C.
Other names: short protein forms Y587C.
Identifiers: ClinVar variation 959611 (VCV000959611.13), dbSNP rs1338200771, ClinGen allele CA346466103.